The following is an entry in ClinVar:

NM_004260.4(RECQL4):c.3127T>G (p.Leu1043Val)

Gene: RECQL4 (RecQ like helicase 4; minus strand). Cytogenetic location: 8q24.3.
Variant type: single nucleotide variant.
Coding change: c.3127T>G on transcript NM_004260.4 (MANE Select); coding-DNA position 3127, T replaced by G.
Protein change: p.Leu1043Val; replaces leucine 1043 with valine.
Molecular consequence: missense variant.
Genome position (GRCh38, 1-based): chr8:144,512,253, A>C on the plus strand (T>G on the coding strand, the complement: RECQL4 is on the minus strand). VCF-style: chr8-144512253-A-C. GRCh37 (hg19) VCF-style: chr8-145737636-A-C.
Other names: short protein forms L1043V.
Identifiers: ClinVar variation 1063713 (VCV001063713.4), dbSNP rs4925828, ClinGen allele CA372670450.
Genomic context (GRCh38, chr8:144,512,253, plus strand): 5'-CCCGGGCCTGCACACGGCCATAGAGGAAGTCACATATCTGGTCCTTCTCCTCAGCGGTCA[A>C]GTCCCCCGGGCTGCGAAGGTGGAAGGCCAGCTCACTGAACTCCACAAGCACCCCTGTCCC-3'
Protein context (NP_004251.4, residues 1033-1053): LAFHLRSPGD[Leu1043Val]TAEEKDQICD

ClinVar aggregate classification (germline): Uncertain significance (1 of 4 stars; one submission).

Conditions:
Baller-Gerold syndrome (BGS). Also called: CRANIOSYNOSTOSIS WITH RADIAL DEFECTS. Identifiers: Orphanet 1225, MedGen C0265308, MONDO:0009039, OMIM 218600.

Submission:

Labcorp Genetics (formerly Invitae), Labcorp
Classification: Uncertain significance for Baller-Gerold syndrome. Last evaluated: 2023-12-30. Review status: criteria provided, single submitter. Criteria: Invitae Variant Classification Sherloc (09022015). Collection method: clinical testing. Allele origin: germline.
Comment: This sequence change replaces leucine, which is neutral and non-polar, with valine, which is neutral and non-polar, at codon 1043 of the RECQL4 protein (p.Leu1043Val). This variant is not present in population databases (gnomAD no frequency). This variant has not been reported in the literature in individuals affected with RECQL4-related conditions. Advanced modeling of protein sequence and biophysical properties (such as structural, functional, and spatial information, amino acid conservation, physicochemical variation, residue mobility, and thermodynamic stability) performed at Invitae indicates that this missense variant is expected to disrupt RECQL4 protein function with a positive predictive value of 80%. In summary, the available evidence is currently insufficient to determine the role of this variant in disease. Therefore, it has been classified as a Variant of Uncertain Significance.